The following is an entry in ClinVar:

ClinVar aggregate classification (germline): Conflicting classifications of pathogenicity. Review status: criteria provided, conflicting classifications (1 of 4 stars). 8 submissions from 8 submitters: Uncertain significance (5); Likely benign (3). Last evaluated 2025-09-30.

Conditions:
BRCA2-related cancer predisposition. Identifiers: MedGen CN377758, MONDO:0700269.
Hereditary cancer-predisposing syndrome. Also called: Hereditary Cancer Syndrome; Neoplastic Syndromes, Hereditary; Tumor predisposition; Hereditary neoplastic syndrome. Identifiers: Orphanet 140162, MedGen C0027672, MeSH D009386, MONDO:0015356.
Breast-ovarian cancer, familial, susceptibility to, 2 (BROVCA2). Also called: BRCA2 Hereditary Breast and Ovarian Cancer. Identifiers: Orphanet 145, MedGen C2675520, MONDO:0012933, OMIM 612555. Disease mechanism: loss of function.
Hereditary breast ovarian cancer syndrome. Also called: Hereditary breast and/or ovarian cancer syndrome; BRCA1- and BRCA2-Associated Hereditary Breast and Ovarian Cancer; Hereditary breast and ovarian cancer syndrome (HBOC); Hereditary breast and ovarian cancer; Hereditary breast and ovarian cancer syndrome; Breast and ovarian cancer. Identifiers: Orphanet 145, MedGen C0677776, MeSH D061325, MONDO:0003582. Disease mechanism: loss of function.

Allele frequency attached by ClinVar (database versions not stated): gnomAD exomes below 0.00001 and 0.00001; ExAC 0.00002; TOPMed 0.00002.
gnomAD v4.1: 3 of 1,591,906 alleles (0.00019%); highest among the groups gnomAD compares: African/African-American, 0.0027%; no homozygotes.

Submissions (8):

Color Diagnostics, LLC DBA Color Health
Classification: Likely benign for Hereditary cancer-predisposing syndrome. Last evaluated: 2025-09-30. Review status: criteria provided, single submitter. Criteria: ACMG Guidelines, 2015. Collection method: clinical testing. Allele origin: germline.

Labcorp Genetics (formerly Invitae), Labcorp
Classification: Uncertain significance for Hereditary breast ovarian cancer syndrome. Last evaluated: 2024-10-06. Review status: criteria provided, single submitter. Criteria: Invitae Variant Classification Sherloc (09022015). Collection method: clinical testing. Allele origin: germline.
Comment: This sequence change replaces leucine, which is neutral and non-polar, with valine, which is neutral and non-polar, at codon 310 of the BRCA2 protein (p.Leu310Val). This variant is present in population databases (rs778907270, gnomAD 0.01%). This variant has not been reported in the literature in individuals affected with BRCA2-related conditions. ClinVar contains an entry for this variant (Variation ID: 231157). Invitae Evidence Modeling of protein sequence and biophysical properties (such as structural, functional, and spatial information, amino acid conservation, physicochemical variation, residue mobility, and thermodynamic stability) indicates that this missense variant is not expected to disrupt BRCA2 protein function with a negative predictive value of 95%. RNA analysis performed to evaluate the impact of this missense change on mRNA splicing indicates it does not significantly alter splicing (internal data). In summary, the available evidence is currently insufficient to determine the role of this variant in disease. Therefore, it has been classified as a Variant of Uncertain Significance.

Quest Diagnostics Nichols Institute San Juan Capistrano
Classification: Uncertain significance. Last evaluated: 2024-09-25. Review status: criteria provided, single submitter. Criteria: Quest Diagnostics criteria. Collection method: clinical testing. Allele origin: unknown.
Comment: The BRCA2 c.928T>G (p.Leu310Val) variant has been reported in the published literature in individuals with a personal and/or family history of cancer (PMID: 31853058 (2020)), and described to be located in a region of the BRCA2 gene that is tolerant to missense sequence changes (PMID: 31911673 (2020)). The frequency of this variant in the general population, 0.0000085 (2/234070 chromosomes (Genome Aggregation Database)), is uninformative in the assessment of its pathogenicity. Analysis of this variant using bioinformatics tools for the prediction of the effect of amino acid changes on protein structure and function yielded predictions that this variant is benign. Based on the available information, we are unable to determine the clinical significance of this variant.

All of Us Research Program, National Institutes of Health
Classification: Uncertain significance for BRCA2-related cancer predisposition. Last evaluated: 2024-09-23. Review status: criteria provided, single submitter. Criteria: ACMG Guidelines, 2015. Collection method: clinical testing. Allele origin: germline. Inheritance: Autosomal dominant inheritance. Observed: 5 variant alleles, 5 heterozygotes.
Comment: This missense variant replaces leucine with valine at codon 310 of the BRCA2 protein. Computational prediction suggests that this variant may not impact protein structure and function (internally defined REVEL score threshold <= 0.5, PMID: 27666373). To our knowledge, functional studies have not been reported for this variant. This variant has not been reported in individuals affected with BRCA2-related disorders in the literature. This variant has been identified in 2/234070 chromosomes in the general population by the Genome Aggregation Database (gnomAD). The available evidence is insufficient to determine the role of this variant in disease conclusively. Therefore, this variant is classified as a Variant of Uncertain Significance.

This study involves interpretation of variants in research participants for the purpose of population health screening. Participant phenotype was not available at the time of variant classification. Additional details can be found in publication PMID: 35346344, PMCID: PMC8962531

Ambry Genetics
Classification: Uncertain significance for Hereditary cancer-predisposing syndrome. Last evaluated: 2023-09-23. Review status: criteria provided, single submitter. Criteria: Ambry Variant Classification Scheme 2023. Collection method: clinical testing. Allele origin: germline.
Comment: The p.L310V variant (also known as c.928T>G), located in coding exon 9 of the BRCA2 gene, results from a T to G substitution at nucleotide position 928. The leucine at codon 310 is replaced by valine, an amino acid with highly similar properties. This amino acid position is not well conserved in available vertebrate species. In addition, this alteration is predicted to be tolerated by in silico analysis. Since supporting evidence is limited at this time, the clinical significance of this alteration remains unclear.

Myriad Genetics, Inc.
Classification: Likely benign for Breast-ovarian cancer, familial, susceptibility to, 2. Last evaluated: 2023-08-17. Review status: criteria provided, single submitter. Criteria: Myriad Autosomal Dominant, Autosomal Recessive and X-Linked Classification Criteria (2023). Collection method: clinical testing. Allele origin: unknown.
Comment: This variant is considered likely benign. This variant is strongly associated with less severe personal and family histories of cancer, typical for individuals without pathogenic variants in this gene [PMID: 25085752].

University of Washington Department of Laboratory Medicine, University of Washington
Classification: Likely benign for Hereditary cancer-predisposing syndrome. Last evaluated: 2023-03-23. Review status: criteria provided, single submitter. Criteria: Dines et al. (Genet Med. 2020). Collection method: curation. Allele origin: germline.
Comment: Missense variant in a coldspot region where missense variants are very unlikely to be pathogenic (PMID:31911673).

BRCA2 exon 10 coldspot. Reclassification based on statistical prior probability.

GeneDx
Classification: Uncertain significance. Last evaluated: 2019-10-08. Review status: criteria provided, single submitter. Criteria: GeneDx Variant Classification Process June 2021. Collection method: clinical testing. Allele origin: germline. Affected: yes.
Comment: Not observed at a significant frequency in large population cohorts (Lek et al., 2016); In silico analysis, which includes protein predictors and evolutionary conservation, supports that this variant does not alter protein structure/function; Has not been previously published as pathogenic or benign to our knowledge; Also known as 1156T>G

Literature cited by the submitters: PubMed 31911673 (cited by Quest Diagnostics Nichols Institute San Juan Capistrano); PubMed 31853058 (cited by Quest Diagnostics Nichols Institute San Juan Capistrano); PubMed 25085752 (cited by Myriad Genetics, Inc.).

NM_000059.4(BRCA2):c.928T>G (p.Leu310Val)

Gene: BRCA2 (BRCA2 DNA repair associated; plus strand). Cytogenetic location: 13q13.1.
Variant type: single nucleotide variant.
Coding change: c.928T>G on transcript NM_000059.4 (MANE Select); coding-DNA position 928, T replaced by G.
Protein change: p.Leu310Val; replaces leucine 310 with valine.
Molecular consequence: missense variant.
Genome position (GRCh38, 1-based): chr13:32,332,406, T>G. VCF-style: chr13-32332406-T-G. GRCh37 (hg19) VCF-style: chr13-32906543-T-G.
Other names: short protein forms L310V.
Identifiers: ClinVar variation 231157 (VCV000231157.26), dbSNP rs778907270, ClinGen allele CA6940476.